The following is an entry in ClinVar:

NM_005048.4(PTH2R):c.75+8C>G

Gene: PTH2R (parathyroid hormone 2 receptor; plus strand). Cytogenetic location: 2q34.
Variant type: single nucleotide variant.
Coding change: c.75+8C>G on transcript NM_005048.4 (MANE Select); 8 bases into the intron after coding-DNA position 75, C replaced by G.
Molecular consequence: intron variant.
Genome position (GRCh38, 1-based): chr2:208,407,126, C>G. VCF-style: chr2-208407126-C-G. GRCh37 (hg19) VCF-style: chr2-209271851-C-G.
Other names: c.-325-8394C>G (NM_001371905.1); c.-334-9735C>G (NM_001371906.1); c.-258-21075C>G (NM_001309516.2, NM_001371907.1).
Identifiers: ClinVar variation 3039028 (VCV003039028.2), dbSNP rs753962657, ClinGen allele CA2080886.

ClinVar aggregate classification (germline): Likely benign (0 of 4 stars; one submission).

Conditions:
PTH2R-related disorder. Also called: PTH2R-related condition.

Allele frequency attached by ClinVar (database versions not stated): ExAC 0.00001; gnomAD 0.00001.
gnomAD v4.1: 3 of 1,404,046 alleles (0.00021%); highest among the groups gnomAD compares: South Asian, 0.0036%; no homozygotes.

Submission:

PreventionGenetics, part of Exact Sciences
Classification: Likely benign for PTH2R-related condition. Last evaluated: 2019-05-28. Review status: no assertion criteria provided. Collection method: clinical testing. Allele origin: germline.
Comment: This variant is classified as likely benign based on ACMG/AMP sequence variant interpretation guidelines (Richards et al. 2015 PMID: 25741868, with internal and published modifications).